The following is an entry in ClinVar:

NM_022124.6(CDH23):c.460G>A (p.Val154Met)

Gene: CDH23 (cadherin related 23; plus strand). Cytogenetic location: 10q22.1.
Variant type: single nucleotide variant.
Coding change: c.460G>A on transcript NM_022124.6 (MANE Select); coding-DNA position 460, G replaced by A.
Protein change: p.Val154Met; replaces valine 154 with methionine.
Molecular consequence: missense variant.
Genome position (GRCh38, 1-based): chr10:71,566,772, G>A. VCF-style: chr10-71566772-G-A. GRCh37 (hg19) VCF-style: chr10-73326529-G-A.
Other names: c.460G>A, p.Val154Met (NM_001171930.2, NM_001171931.2, NM_001171932.2 and 1 more transcripts); short protein forms V154M.
Identifiers: ClinVar variation 45951 (VCV000045951.16), dbSNP rs199741966, ClinGen allele CA137437.

ClinVar aggregate classification (germline): Conflicting classifications of pathogenicity. Review status: criteria provided, conflicting classifications (1 of 4 stars). 7 submissions from 7 submitters: Uncertain significance (5); Likely benign (1). 1 of the submissions does not count toward it. Last evaluated 2026-07-22.

Conditions:
CDH23-related disorder. Also called: CDH23-related disorders; CDH23-related condition.
Inborn genetic diseases. Identifiers: MedGen C0950123, MeSH D030342.
Usher syndrome type 1 (USH1). Also called: RETINITIS PIGMENTOSA AND CONGENITAL DEAFNESS. Identifiers: Orphanet 231169, Orphanet 886, MedGen C1568247, MONDO:0010168, OMIM 276900.

Allele frequency attached by ClinVar (database versions not stated): gnomAD 0.00007 and 0.00006; TOPMed 0.00009; gnomAD exomes 0.00010 and 0.00004; 1000 Genomes Project 30x 0.00016; ESP Exome Variant Server 0.00016; 1000 Genomes Project 0.00020; ExAC 0.00007.
gnomAD v4.1: 65 of 1,609,566 alleles (0.004%); highest among the groups gnomAD compares: Admixed American, 0.062%; no homozygotes.

Submissions (7):

GeneDx
Classification: Uncertain significance. Last evaluated: 2026-07-22. Review status: criteria provided, single submitter. Criteria: GeneDx Variant Classification Process June 2021. Collection method: clinical testing. Allele origin: germline.
Comment: In silico analysis suggests that this missense variant does not alter protein structure/function; Has not been previously published as pathogenic or benign to our knowledge

PreventionGenetics, part of Exact Sciences
Classification: Uncertain significance for CDH23-related condition. Last evaluated: 2025-12-03. Review status: criteria provided, single submitter. Criteria: ACMG Guidelines, 2015. Collection method: clinical testing. Allele origin: germline.
Comment: The CDH23 c.460G>A variant is predicted to result in the amino acid substitution p.Val154Met. To our knowledge, this variant has not been reported in the literature. This variant is reported in 0.065% of alleles in individuals of Latino descent in gnomAD, which may be too frequent to be a primary cause of disease. Although we suspect that this variant may be benign, at this time, the clinical significance of this variant is uncertain due to the absence of conclusive functional and genetic evidence.

Labcorp Genetics (formerly Invitae), Labcorp
Classification: Likely benign. Last evaluated: 2025-09-04. Review status: criteria provided, single submitter. Criteria: Invitae Variant Classification Sherloc (09022015). Collection method: clinical testing. Allele origin: germline.

Blueprint Genetics
Classification: Uncertain significance. Last evaluated: 2024-11-04. Review status: criteria provided, single submitter. Criteria: ACMG Guidelines, 2015. Collection method: clinical testing. Allele origin: germline.

Ambry Genetics
Classification: Uncertain significance for Inborn genetic diseases. Last evaluated: 2021-06-11. Review status: criteria provided, single submitter. Criteria: Ambry Variant Classification Scheme 2023. Collection method: clinical testing. Allele origin: germline.

Laboratory for Molecular Medicine, Mass General Brigham Personalized Medicine
Classification: Uncertain significance. Last evaluated: 2010-07-27. Review status: criteria provided, single submitter. Criteria: LMM Criteria. Collection method: clinical testing. Allele origin: germline. Observed: 1 variant allele.
Comment: Variant classified as Uncertain Significance - Favor Benign. The Val154Met varia nt has not been reported in the literature nor previously identified by our labo ratory. This residue is conserved across species; however, computational analyse s (PolyPhen, SIFT, AlignGVGD) provide inconsistent predictions regarding the imp act to the protein and this information is not very predictive of pathogenicity anyway. In summary, the clinical significance of this variant cannot be determin ed with certainty at this time.

Natera, Inc.
Classification: Uncertain significance for Usher syndrome type 1. Last evaluated: 2019-10-28. Review status: no assertion criteria provided. Collection method: clinical testing. Allele origin: germline. Not counted in ClinVar's aggregate classification.